The following is an entry in ClinVar:

NM_004329.3(BMPR1A):c.617T>C (p.Leu206Pro)

Gene: BMPR1A (bone morphogenetic protein receptor type 1A; plus strand). Cytogenetic location: 10q23.2.
Variant type: single nucleotide variant.
Coding change: c.617T>C on transcript NM_004329.3 (MANE Select); coding-DNA position 617, T replaced by C.
Protein change: p.Leu206Pro; replaces leucine 206 with proline.
Molecular consequence: missense variant.
Genome position (GRCh38, 1-based): chr10:86,912,326, T>C. VCF-style: chr10-86912326-T-C. GRCh37 (hg19) VCF-style: chr10-88672083-T-C.
Other names: c.692T>C, p.Leu231Pro (NM_001406559.1); c.665T>C, p.Leu222Pro (NM_001406560.1); c.617T>C, p.Leu206Pro (NM_001406561.1, NM_001406562.1, NM_001406563.1 and 20 more transcripts); c.533T>C, p.Leu178Pro (NM_001406584.1, NM_001406585.1, NM_001406586.1 and 2 more transcripts); short protein forms L178P, L206P, L231P, L222P.
Identifiers: ClinVar variation 1752061 (VCV001752061.3), dbSNP rs2539573577, ClinGen allele CA377454811.

ClinVar aggregate classification (germline): Uncertain significance (1 of 4 stars; one submission).

Conditions:
Hereditary cancer-predisposing syndrome. Also called: Hereditary Cancer Syndrome; Hereditary neoplastic syndrome; Neoplastic Syndromes, Hereditary; Tumor predisposition. Identifiers: Orphanet 140162, MedGen C0027672, MeSH D009386, MONDO:0015356.

Submission:

Ambry Genetics
Classification: Uncertain significance for Hereditary cancer-predisposing syndrome. Last evaluated: 2026-07-16. Review status: criteria provided, single submitter. Criteria: Ambry Variant Classification Scheme 2023. Collection method: clinical testing. Allele origin: germline.
Comment: The p.L206P variant (also known as c.617T>C), located in coding exon 6 of the BMPR1A gene, results from a T to C substitution at nucleotide position 617. The leucine at codon 206 is replaced by proline, an amino acid with similar properties. This amino acid position is highly conserved in available vertebrate species. In addition, this alteration is predicted to be deleterious by in silico analysis. Based on the available evidence, the clinical significance of this variant remains unclear.